The following is an entry in ClinVar:

ClinVar aggregate classification (germline): Uncertain significance. Review status: criteria provided, multiple submitters, no conflicts (2 of 4 stars). 2 submissions from 2 submitters: Uncertain significance (2). Last evaluated 2025-08-10.

Allele frequency attached by ClinVar (database versions not stated): gnomAD exomes below 0.00001.

Submissions (2):

Ambry Genetics
Classification: Uncertain significance. Last evaluated: 2025-08-10. Review status: criteria provided, single submitter. Criteria: Ambry Variant Classification Scheme 2023. Collection method: clinical testing. Allele origin: germline.

Labcorp Genetics (formerly Invitae), Labcorp
Classification: Uncertain significance. Last evaluated: 2021-07-28. Review status: criteria provided, single submitter. Criteria: Invitae Variant Classification Sherloc (09022015). Collection method: clinical testing. Allele origin: germline.
Comment: This sequence change replaces glycine with arginine at codon 416 of the TUB protein (p.Gly416Arg). The glycine residue is moderately conserved and there is a moderate physicochemical difference between glycine and arginine. This variant is not present in population databases (ExAC no frequency). This variant has not been reported in the literature in individuals affected with TUB-related conditions. Algorithms developed to predict the effect of missense changes on protein structure and function are either unavailable or do not agree on the potential impact of this missense change (SIFT: "Deleterious"; PolyPhen-2: "Benign"; Align-GVGD: "Class C0"). In summary, the available evidence is currently insufficient to determine the role of this variant in disease. Therefore, it has been classified as a Variant of Uncertain Significance.

NM_177972.3(TUB):c.1081G>A (p.Gly361Arg)

Genes: RIC3 (RIC3 acetylcholine receptor chaperone; minus strand), TUB (TUB bipartite transcription factor; plus strand). Cytogenetic location: 11p15.4.
Variant type: single nucleotide variant.
Coding change: c.1081G>A on transcript NM_177972.3 (MANE Select); coding-DNA position 1081, G replaced by A.
Protein change: p.Gly361Arg; replaces glycine 361 with arginine.
Molecular consequence: missense variant.
Genome position (GRCh38, 1-based): chr11:8,098,840, G>A. VCF-style: chr11-8098840-G-A. GRCh37 (hg19) VCF-style: chr11-8120387-G-A.
Other names: c.1246G>A, p.Gly416Arg (NM_003320.5); c.1246G>A (NM_003320.4); short protein forms G361R, G416R.
Identifiers: ClinVar variation 1370697 (VCV001370697.2), dbSNP rs1229860873, ClinGen allele CA379570598.